The following is an entry in ClinVar:

ClinVar aggregate classification (germline): Likely benign. Review status: criteria provided, multiple submitters, no conflicts (2 of 4 stars). 2 submissions from 2 submitters: Likely benign (2). Last evaluated 2022-08-01.

Conditions:
Developmental and epileptic encephalopathy, 42 (DEE42A). Also called: Epileptic encephalopathy, early infantile, 42; DEVELOPMENTAL AND EPILEPTIC ENCEPHALOPATHY 42A; EPILEPTIC ENCEPHALOPATHY, EARLY INFANTILE, 42A. Identifiers: MedGen C4310716, MONDO:0014917, OMIM 617106.
Episodic ataxia type 2 (EA2). Also called: ATAXIA, EPISODIC, WITH NYSTAGMUS; ATAXIA, FAMILIAL PAROXYSMAL; CEREBELLAR ATAXIA, PAROXYSMAL, ACETAZOLAMIDE-RESPONSIVE; CEREBELLOPATHY, HEREDITARY PAROXYSMAL; EPISODIC ATAXIA, NYSTAGMUS-ASSOCIATED; ACETAZOLAMIDE-RESPONSIVE HEREDITARY PAROXYSMAL CEREBELLAR ATAXIA. Identifiers: Orphanet 97, MedGen C1720416, MONDO:0007163, OMIM 108500.

Allele frequency attached by ClinVar (database versions not stated): gnomAD exomes below 0.00001; ExAC 0.00001.
gnomAD v4.1: 3 of 1,613,806 alleles (0.00019%); highest among the groups gnomAD compares: Non-Finnish European, 0.00025%; no homozygotes.

Submissions (2):

CeGaT Center for Human Genetics Tuebingen
Classification: Likely benign. Last evaluated: 2022-08-01. Review status: criteria provided, single submitter. Criteria: CeGaT Center For Human Genetics Tuebingen Variant Classification Criteria Version 2. Collection method: clinical testing. Allele origin: germline. Affected: yes. Observed: 1 variant allele.
Comment: CACNA1A: PM2:Supporting, BP4, BP7

Labcorp Genetics (formerly Invitae), Labcorp
Classification: Likely benign for Developmental and epileptic encephalopathy, 42; Episodic ataxia type 2. Last evaluated: 2020-03-10. Review status: criteria provided, single submitter. Criteria: Invitae Variant Classification Sherloc (09022015). Collection method: clinical testing. Allele origin: germline.

NM_001127222.2(CACNA1A):c.672C>T (p.Ile224=)

Gene: CACNA1A (calcium voltage-gated channel subunit alpha1 A; minus strand). Cytogenetic location: 19p13.13.
Variant type: single nucleotide variant.
Coding change: c.672C>T on transcript NM_001127222.2 (MANE Select); coding-DNA position 672, C replaced by T.
Protein change: p.Ile224=; no amino-acid change (isoleucine 224 retained).
Molecular consequence: synonymous variant.
Genome position (GRCh38, 1-based): chr19:13,365,429, G>A on the plus strand (C>T on the coding strand, the complement: CACNA1A is on the minus strand). VCF-style: chr19-13365429-G-A. GRCh37 (hg19) VCF-style: chr19-13476243-G-A.
Other names: c.672C>T, p.Ile224= (NM_000068.4, NM_001127221.2, NM_001174080.2 and 1 more transcripts).
Identifiers: ClinVar variation 1151853 (VCV001151853.28), dbSNP rs771429351, ClinGen allele CA9240975.
Genomic context (GRCh38, chr19:13,365,429, plus strand): 5'-CCCTATGATTGCAAAAATAAGGATTGCAAAAAATAGGAGGAGGCCGATCTGCAGCAAAGG[G>A]ATCATCGCCTTCATGATCGACTTCAGGACGACTTGTAAACCTGGGGGGACACAGAGAGAG-3'
Protein context (NP_001120694.1, residues 214-234): VVLKSIMKAM[Ile224=]PLLQIGLLLF